The following is an entry in ClinVar:

ClinVar aggregate classification (germline): Uncertain significance (1 of 4 stars; one submission).

Allele frequency attached by ClinVar (database versions not stated): gnomAD exomes below 0.00001; ExAC 0.00001; TOPMed 0.00001; 1000 Genomes Project 30x 0.00016; 1000 Genomes Project 0.00020.
gnomAD v4.1: 8 of 1,604,932 alleles (0.0005%); highest among the groups gnomAD compares: East Asian, 0.0045%; no homozygotes.

Submission:

GeneDx
Classification: Uncertain significance. Last evaluated: 2015-09-25. Review status: criteria provided, single submitter. Criteria: GeneDx Variant Classification (06012015). Collection method: clinical testing. Allele origin: germline. Affected: yes.
Comment: The Q858R variant has not been published as a pathogenic variant, nor has it been reported as a benign variant to our knowledge. It was not observed in approximately 6,500 individuals of European and African American ancestry in the NHLBI Exome Sequencing Project, and it was not observed with any significant frequency in the 1000 Genomes Project, indicating it is not a common benign variant in these populations. The Q858R variant is a semi-conservative amino acid substitution, which may impact secondary protein structure as these residues differ in some properties. However, this substitution occurs at a position that is not conserved and in silico analysis predicts this variant likely does not alter the protein structure/function. Therefore, based on the currently available information, it is unclear whether the Q858R variant is a pathogenic variant or a rare benign variant.

NM_002180.3(IGHMBP2):c.2573A>G (p.Gln858Arg)

Gene: IGHMBP2 (immunoglobulin mu DNA binding protein 2; plus strand). Cytogenetic location: 11q13.3.
Variant type: single nucleotide variant.
Coding change: c.2573A>G on transcript NM_002180.3 (MANE Select); coding-DNA position 2573, A replaced by G.
Protein change: p.Gln858Arg; replaces glutamine 858 with arginine.
Molecular consequence: missense variant.
Genome position (GRCh38, 1-based): chr11:68,937,053, A>G. VCF-style: chr11-68937053-A-G. GRCh37 (hg19) VCF-style: chr11-68704521-A-G.
Other names: short protein forms Q858R.
Identifiers: ClinVar variation 245937 (VCV000245937.2), dbSNP rs571303275, ClinGen allele CA6153942.